The following is an entry in ClinVar:

NM_006231.4(POLE):c.4889G>A (p.Arg1630Gln)

Gene: POLE (DNA polymerase epsilon, catalytic subunit; minus strand). Cytogenetic location: 12q24.33.
Variant type: single nucleotide variant.
Coding change: c.4889G>A on transcript NM_006231.4 (MANE Select); coding-DNA position 4889, G replaced by A.
Protein change: p.Arg1630Gln; replaces arginine 1630 with glutamine.
Molecular consequence: missense variant.
Genome position (GRCh38, 1-based): chr12:132,642,569, C>T on the plus strand (G>A on the coding strand, the complement: POLE is on the minus strand). VCF-style: chr12-132642569-C-T. GRCh37 (hg19) VCF-style: chr12-133219155-C-T.
Other names: short protein forms R1630Q.
Identifiers: ClinVar variation 540689 (VCV000540689.17), dbSNP rs750180239, ClinGen allele CA6892689.

ClinVar aggregate classification (germline): Uncertain significance. Review status: criteria provided, multiple submitters, no conflicts (2 of 4 stars). 4 submissions from 4 submitters: Uncertain significance (4). Last evaluated 2026-01-31.

Conditions:
Hereditary cancer-predisposing syndrome. Also called: Neoplastic Syndromes, Hereditary; Hereditary Cancer Syndrome; Hereditary neoplastic syndrome; Tumor predisposition. Identifiers: Orphanet 140162, MedGen C0027672, MeSH D009386, MONDO:0015356.

Allele frequency attached by ClinVar (database versions not stated): ExAC 0.00002; gnomAD exomes 0.00002; TOPMed 0.00008; gnomAD 0.00009.
gnomAD v4.1: 44 of 1,613,436 alleles (0.0027%); highest among the groups gnomAD compares: African/African-American, 0.027%; no homozygotes.

Submissions (4):

Labcorp Genetics (formerly Invitae), Labcorp
Classification: Uncertain significance. Last evaluated: 2026-01-31. Review status: criteria provided, single submitter. Criteria: Invitae Variant Classification Sherloc (09022015). Collection method: clinical testing. Allele origin: germline.
Comment: This sequence change replaces arginine, which is basic and polar, with glutamine, which is neutral and polar, at codon 1630 of the POLE protein (p.Arg1630Gln). This variant is present in population databases (rs750180239, gnomAD 0.01%). This variant has not been reported in the literature in individuals affected with POLE-related conditions. ClinVar contains an entry for this variant (Variation ID: 540689). Invitae Evidence Modeling of protein sequence and biophysical properties (such as structural, functional, and spatial information, amino acid conservation, physicochemical variation, residue mobility, and thermodynamic stability) indicates that this missense variant is not expected to disrupt POLE protein function with a negative predictive value of 80%. In summary, the available evidence is currently insufficient to determine the role of this variant in disease. Therefore, it has been classified as a Variant of Uncertain Significance.

Center for Genomic Medicine, Rigshospitalet, Copenhagen University Hospital
Classification: Uncertain significance. Last evaluated: 2025-03-04. Review status: criteria provided, single submitter. Criteria: ACMG Guidelines, 2015. Collection method: clinical testing. Allele origin: germline.

Ambry Genetics
Classification: Uncertain significance for Hereditary cancer-predisposing syndrome. Last evaluated: 2025-01-07. Review status: criteria provided, single submitter. Criteria: Ambry Variant Classification Scheme 2023. Collection method: clinical testing. Allele origin: germline.
Comment: The p.R1630Q variant (also known as c.4889G>A), located in coding exon 37 of the POLE gene, results from a G to A substitution at nucleotide position 4889. The arginine at codon 1630 is replaced by glutamine, an amino acid with highly similar properties. This amino acid position is highly conserved in available vertebrate species. In addition, this alteration is predicted to be tolerated by in silico analysis. Based on the available evidence, the clinical significance of this variant remains unclear.

GeneDx
Classification: Uncertain significance. Last evaluated: 2022-06-29. Review status: criteria provided, single submitter. Criteria: GeneDx Variant Classification Process June 2021. Collection method: clinical testing. Allele origin: germline. Affected: yes.
Comment: In silico analysis, which includes protein predictors and evolutionary conservation, supports a deleterious effect; Has not been previously published as pathogenic or benign to our knowledge